The following is an entry in ClinVar:

ClinVar aggregate classification (germline): Uncertain significance (1 of 4 stars; one submission).

Submission:

Labcorp Genetics (formerly Invitae), Labcorp
Classification: Uncertain significance. Last evaluated: 2025-12-09. Review status: criteria provided, single submitter. Criteria: Invitae Variant Classification Sherloc (09022015). Collection method: clinical testing. Allele origin: germline.
Comment: This sequence change replaces phenylalanine, which is neutral and non-polar, with valine, which is neutral and non-polar, at codon 4 of the PSMB4 protein (p.Phe4Val). This variant is not present in population databases (gnomAD no frequency). This variant has not been reported in the literature in individuals affected with PSMB4-related conditions. An algorithm developed to predict the effect of missense changes on protein structure and function outputs the following: PolyPhen-2: "Benign". The valine amino acid residue is found in multiple mammalian species, which suggests that this missense change does not adversely affect protein function. In summary, the available evidence is currently insufficient to determine the role of this variant in disease. Therefore, it has been classified as a Variant of Uncertain Significance.

NM_002796.3(PSMB4):c.10T>G (p.Phe4Val)

Gene: PSMB4 (proteasome 20S subunit beta 4; plus strand). Cytogenetic location: 1q21.3.
Variant type: single nucleotide variant.
Coding change: c.10T>G on transcript NM_002796.3 (MANE Select); coding-DNA position 10, T replaced by G.
Protein change: p.Phe4Val; replaces phenylalanine 4 with valine.
Molecular consequence: missense variant.
Genome position (GRCh38, 1-based): chr1:151,399,597, T>G. VCF-style: chr1-151399597-T-G. GRCh37 (hg19) VCF-style: chr1-151372073-T-G.
Other names: short protein forms F4V.
Identifiers: ClinVar variation 4766133 (VCV004766133.1).